The following is an entry in ClinVar:

NM_015295.3(SMCHD1):c.5548-60C>T

Gene: SMCHD1 (structural maintenance of chromosomes flexible hinge domain containing 1; plus strand). Cytogenetic location: 18p11.32.
Variant type: single nucleotide variant.
Coding change: c.5548-60C>T on transcript NM_015295.3 (MANE Select); 60 bases into the intron before coding-DNA position 5548, C replaced by T.
Molecular consequence: intron variant.
Genome position (GRCh38, 1-based): chr18:2,784,390, C>T. VCF-style: chr18-2784390-C-T. GRCh37 (hg19) VCF-style: chr18-2784388-C-T.
Identifiers: ClinVar variation 1703299 (VCV001703299.2), dbSNP rs114620188, ClinGen allele CA295489430.

ClinVar aggregate classification (germline): Likely benign (1 of 4 stars; one submission).

Allele frequency attached by ClinVar (database versions not stated): gnomAD exomes 0.00037; gnomAD 0.00458; TOPMed 0.00482; 1000 Genomes Project 0.00639; 1000 Genomes Project 30x 0.00671.
gnomAD v4.1: 1,148 of 1,357,692 alleles (0.085%); highest among the groups gnomAD compares: African/African-American, 1.6%; 7 homozygotes.

Submission:

GeneDx
Classification: Likely benign. Last evaluated: 2022-02-27. Review status: criteria provided, single submitter. Criteria: GeneDx Variant Classification Process June 2021. Collection method: clinical testing. Allele origin: germline. Affected: yes.
Comment: See Variant Classification Assertion Criteria.